The following is an entry in ClinVar:

NM_015122.3(FCHO1):c.2327C>G (p.Pro776Arg)

Gene: FCHO1 (FCH and mu domain containing endocytic adaptor 1; plus strand). Cytogenetic location: 19p13.11.
Variant type: single nucleotide variant.
Coding change: c.2327C>G on transcript NM_015122.3 (MANE Select); coding-DNA position 2327, C replaced by G.
Protein change: p.Pro776Arg; replaces proline 776 with arginine.
Molecular consequence: missense variant. On other transcripts: non-coding transcript variant (35), intron variant (5).
Genome position (GRCh38, 1-based): chr19:17,784,825, C>G. VCF-style: chr19-17784825-C-G. GRCh37 (hg19) VCF-style: chr19-17895634-C-G.
Other names: c.2327C>G, p.Pro776Arg (NM_001161357.2, NM_001161358.2, NM_001384370.1 and 11 more transcripts); c.2177C>G, p.Pro726Arg (NM_001161359.2, NM_001384384.1, NM_001384385.1 and 1 more transcripts); c.2306C>G, p.Pro769Arg (NM_001384387.1); c.2288C>G, p.Pro763Arg (NM_001384388.1, NM_001384389.1); c.2252C>G, p.Pro751Arg (NM_001384390.1); c.2210C>G, p.Pro737Arg (NM_001384392.1, NM_001384393.1, NM_001384394.1 and 1 more transcripts); c.2051C>G, p.Pro684Arg (NM_001384396.1, NM_001384397.1, NM_001384398.1 and 4 more transcripts); c.2006C>G, p.Pro669Arg (NM_001384403.1); and 5 more; short protein forms P769R, P726R, P669R, P737R, P751R, P776R, P684R, P763R.
Identifiers: ClinVar variation 1430145 (VCV001430145.8), dbSNP rs747467663, ClinGen allele CA9300836.

ClinVar aggregate classification (germline): Uncertain significance (1 of 4 stars; one submission).

Allele frequency attached by ClinVar (database versions not stated): TOPMed 0.00002; gnomAD 0.00003.
gnomAD v4.1: 5 of 1,613,958 alleles (0.00031%); highest among the groups gnomAD compares: African/African-American, 0.0053%; no homozygotes.

Submission:

Labcorp Genetics (formerly Invitae), Labcorp
Classification: Uncertain significance. Last evaluated: 2022-06-30. Review status: criteria provided, single submitter. Criteria: Invitae Variant Classification Sherloc (09022015). Collection method: clinical testing. Allele origin: germline.
Comment: In summary, the available evidence is currently insufficient to determine the role of this variant in disease. Therefore, it has been classified as a Variant of Uncertain Significance. Algorithms developed to predict the effect of missense changes on protein structure and function are either unavailable or do not agree on the potential impact of this missense change (SIFT: "Tolerated"; PolyPhen-2: "Possibly Damaging"; Align-GVGD: "Class C0"). ClinVar contains an entry for this variant (Variation ID: 1430145). This variant has not been reported in the literature in individuals affected with FCHO1-related conditions. This variant is present in population databases (rs747467663, gnomAD 0.008%). This sequence change replaces proline, which is neutral and non-polar, with arginine, which is basic and polar, at codon 776 of the FCHO1 protein (p.Pro776Arg).